The following is an entry in ClinVar:

NM_000204.5(CFI):c.805G>C (p.Gly269Arg)

Gene: CFI (complement factor I; minus strand). Cytogenetic location: 4q25.
Variant type: single nucleotide variant.
Coding change: c.805G>C on transcript NM_000204.5 (MANE Select); coding-DNA position 805, G replaced by C.
Protein change: p.Gly269Arg; replaces glycine 269 with arginine.
Molecular consequence: missense variant. On other transcripts: non-coding transcript variant (3).
Genome position (GRCh38, 1-based): chr4:109,760,348, C>G on the plus strand (G>C on the coding strand, the complement: CFI is on the minus strand). VCF-style: chr4-109760348-C-G. GRCh37 (hg19) VCF-style: chr4-110681504-C-G.
Other names: c.805G>C, p.Gly269Arg (NM_001318057.2, NM_001331035.2, NM_001375278.1 and 5 more transcripts); c.196G>C, p.Gly66Arg (NM_001375284.1); short protein forms G269R, G66R.
Identifiers: ClinVar variation 2898078 (VCV002898078.3), dbSNP rs772561998, ClinGen allele CA357861383.
Genomic context (GRCh38, chr4:109,760,348, plus strand): 5'-CTTCCCCTGTAATGCAGTCCACCTCACCATTGCATTGATACTGGCTTGGAATGCAAACAC[C>G]CGATTTGCAATGGAAGCCTTTGCCTTGGCATGCTGTGCAAACATAAGCAGGAGAGGTTTT-3'
Protein context (NP_000195.3, residues 259-279): CQGKGFHCKS[Gly269Arg]VCIPSQYQCN

ClinVar aggregate classification (germline): Uncertain significance (1 of 4 stars; one submission).

Submission:

Labcorp Genetics (formerly Invitae), Labcorp
Classification: Uncertain significance. Last evaluated: 2024-01-05. Review status: criteria provided, single submitter. Criteria: Invitae Variant Classification Sherloc (09022015). Collection method: clinical testing. Allele origin: germline.
Comment: This sequence change replaces glycine, which is neutral and non-polar, with arginine, which is basic and polar, at codon 269 of the CFI protein (p.Gly269Arg). This variant is not present in population databases (gnomAD no frequency). This variant has not been reported in the literature in individuals affected with CFI-related conditions. Advanced modeling of protein sequence and biophysical properties (such as structural, functional, and spatial information, amino acid conservation, physicochemical variation, residue mobility, and thermodynamic stability) has been performed at Invitae for this missense variant, however the output from this modeling did not meet the statistical confidence thresholds required to predict the impact of this variant on CFI protein function. In summary, the available evidence is currently insufficient to determine the role of this variant in disease. Therefore, it has been classified as a Variant of Uncertain Significance.